The following is an entry in ClinVar:

NM_181523.3(PIK3R1):c.1945C>T (p.Arg649Trp)

Gene: PIK3R1 (phosphoinositide-3-kinase regulatory subunit 1; plus strand). Cytogenetic location: 5q13.1.
Variant type: single nucleotide variant.
Coding change: c.1945C>T on transcript NM_181523.3 (MANE Select); coding-DNA position 1945, C replaced by T.
Protein change: p.Arg649Trp; replaces arginine 649 with tryptophan.
Molecular consequence: missense variant.
Genome position (GRCh38, 1-based): chr5:68,296,301, C>T. VCF-style: chr5-68296301-C-T. GRCh37 (hg19) VCF-style: chr5-67592129-C-T.
Other names: NM_181523.3(PIK3R1):c.1945C>T; c.856C>T, p.Arg286Trp (NM_001242466.2); c.1135C>T, p.Arg379Trp (NM_181504.4); c.1045C>T, p.Arg349Trp (NM_181524.2); short protein forms R649W, R379W, R286W, R349W.
Identifiers: ClinVar variation 60763 (VCV000060763.36), dbSNP rs397515453, ClinGen allele CA344799.

ClinVar aggregate classification (germline): Pathogenic. Review status: reviewed by expert panel (3 of 4 stars). 16 submissions from 16 submitters: Pathogenic (1). 15 of the submissions do not count toward it. Last evaluated 2026-05-19.

Conditions:
Immunodeficiency 36 with lymphoproliferation. Also called: ACTIVATED PI3K-DELTA SYNDROME 2; Activated PI3K Delta Syndrome Type 2 (APDS2); Immunodeficiency 36. Identifiers: Orphanet 397596, Orphanet 693681, MedGen C4014934, MONDO:0014453, OMIM 616005.
PIK3R1-related immunodeficiency and SHORT syndrome. Identifiers: MedGen CN379774, MONDO:1060136.
Inborn genetic diseases. Identifiers: MedGen C0950123, MeSH D030342.
PIK3R1-related disorder. Also called: PIK3R1-related condition.
SHORT syndrome. Also called: PIK3R1-Related SHORT Syndrome; SHORT STATURE, HYPEREXTENSIBILITY, HERNIA, OCULAR DEPRESSION, RIEGER ANOMALY, AND TEETHING DELAY; LIPODYSTROPHY, PARTIAL, WITH RIEGER ANOMALY AND SHORT STATURE. Identifiers: Orphanet 3163, MedGen C0878684, MONDO:0010026, OMIM 269880.
Agammaglobulinemia 7, autosomal recessive (AGM7). Also called: AGAMMAGLOBULINEMIA, AUTOSOMAL RECESSIVE, DUE TO PIK3R1 DEFECT. Identifiers: MedGen C3554689, MONDO:0014083, OMIM 615214.

Submissions 1 to 5 of 16:

ClinGen Primary Immune Regulatory Disorders Variant Curation Expert Panel, ClinGen
Classification: Pathogenic for PIK3R1-related immunodeficiency and SHORT syndrome. Last evaluated: 2026-05-19. Review status: reviewed by expert panel. Criteria: ClinGen AbDef ACMG Specifications PIK3R1 V1.0.0. Collection method: curation. Allele origin: germline. Inheritance: Autosomal dominant inheritance.
Comment: NM_181523.3(PIK3R1):c.1945C>T (p.Arg649Trp) is a missense variant in exon 15 encoding replacement of arginine with tryptophan at amino acid 649. This variant is absent from gnomAD v4.1.0 (PM2_Supporting). This variant has been reported in at least 2 probands meeting the VCEP standard for phenotypic criteria, including diagnosis of SHORT syndrome, intrauterine growth restriction with birth weight and height both below the 3rd percentile (2 pts), persistent hyperglycemia and transient neonatal diabetes mellitus (1 pt), dysmorphic features including triangular-shaped face and prominent forehead (2 pts), ocular depression (1 pt), lipodystrophy at the lumbar region (1 pt), and inguinal hernia (0.5 pts), with genotyping that excluded causes in PIK3CD (6 total points, PMID: 34249805, PMID: 23810379, PS4_Moderate). 10 additional apparently unrelated probands diagnosed with SHORT syndrome similarly harbor the variant and have accumulated between 6 and 8.5 phenotype points, but were not eligible for inclusion in PS4 due to their genotyping limited to the PIK3R1 locus and unreported testing of the PIK3CD gene (PMID: 23810378, PMID: 26497935). This variant has been identified as a de novo occurrence with unconfirmed parental relationships in 1 individual with PIK3R1 immunodeficiency with SHORT syndrome, with a phenotype that included height and weight below the 3rd percentile (2 pts), hyperextensibility of joints (0.5 pts), ocular depression and Rieger anomaly with hyperopia, astigmatism, and esotropia (1 pt), triangular face shape with prominent forehead, hypoplastic or thin alae nasi, small chin, large low-set ears, mild midface hypoplasia, and micrognathia (2 pts), ovarian cysts, and mild impairment and/or speech delay (1 pts), with genotyping by Sanger sequencing of PIK3R1 without mentioning assessment of the PIK3CD locus (6.5 total points, PMID: 23810378, PMID: 11135494, PS2_Supporting). The variant has been reported to segregate with APDS through at least 2 affected meioses from 1 family, with all affected family members exhibiting short stature with height <3rd percentile (2 pts), Rieger abnormality (0.5 pts), teething delay (1 pt), facial dysmorphism with triangular facial shape, prominent forehead, mild midface hypoplasia, and thin lip and downturned mouth (1.5 pts), progeroid face, lipoatrophy of the face and other areas, and thin wrinkled skin (1 pt) with 6 total points per patient sufficient for evaluation of co-segregation (PMID: 23810379, PP1_Moderate). The variant has been reported to segregate with APDS through at least 1 affected meiosis from a second family, with insufficient phenotype details available for one of the affected family members to be included (PMID: 23810378). The computational predictor REVEL gives a score of 0.973, which is above the ClinGen Antibody Deficiencies VCEP threshold of >0.644 and predicts a damaging effect on PIK3R1 function. The computational predictor CADD gives a PHRED score of 33.0, which is above the ClinGen Antibody Deficiencies VCEP threshold of >26.0 and predicts a deleterious effect on PIK3R1 function. The two predictors agree on a damaging effect (PP3). The splicing impact predictor SpliceAI gives a score of 0.02 for acceptor loss, which is below the ClinGen Antibody Deficiencies VCEP recommended threshold of ≥0.1 and does not strongly predict an impact on splicing. A mouse model with heterozygous knock-in of this variant exhibited short stature and decreased body weight, reduced subcutaneous adipose tissue, glucose intolerance and insulin resistance, abnormal phosphorylation of AKT at Ser473 in response to insulin stimulation, and abnormalities in iris formation and pupil morphology, which are also seen in human patients with the variant (PS3; PMID: 26974159, PMID: 28632845). Expression of the variant PIK3R1 protein in Pik3r1-knockout preadipocytes showed impaired interaction between the variant PIK3R1 protein and IRS-1, resulting in reduced AKT-mediated insulin signaling (PMID: 23810379). In summary, this variant meets the criteria to be classified as pathogenic for PIK3R1-related immunodeficiency and SHORT syndrome based on the ACMG/AMP criteria applied, as specified by the ClinGen Antibody Deficiencies VCEP: PM2_Supporting, PS4_Moderate, PS2_Supporting, PP1_Moderate, PP3, and PS3. (VCEP specifications version 1.0.0; date of approval 04/29/2026).

3billion
Classification: Pathogenic for SHORT syndrome. Last evaluated: 2025-12-29. Review status: criteria provided, single submitter. Criteria: ACMG Guidelines, 2015. Collection method: clinical testing. Allele origin: germline. Affected: yes. Not counted in ClinVar's aggregate classification.
Comment: The variant is not observed in the gnomAD v4.1.0 dataset. Predicted Consequence/Location: Missense variant In silico tool predictions suggest damaging effect of the variant on gene or gene product [REVEL: 0.97 (>=0.6, sensitivity 0.68 and specificity 0.92); 3Cnet: 0.99 (> 0.75, sensitivity 0.96 and precision 0.92)]. The same nucleotide change resulting in the same amino acid change has been previously reported as pathogenic/likely pathogenic with strong evidence (ClinVar ID: VCV000060763 /PMID: 23810382 /3billion dataset). The variant has been reported to co-segregate with the disease in at least 7 similarly affected relatives/individuals in at least two unrelated families (PMID: 23810382, 269880). A different missense change at the same codon (p.Arg649Gln) has been reported to be associated with PIK3R1-related disorder (ClinVar ID: VCV002061060). Therefore, this variant is classified as Pathogenic according to the recommendation of ACMG/AMP guideline.

PreventionGenetics, part of Exact Sciences
Classification: Pathogenic for PIK3R1-related condition. Last evaluated: 2024-11-25. Review status: criteria provided, single submitter. Criteria: ACMG Guidelines, 2015. Collection method: clinical testing. Allele origin: germline. Not counted in ClinVar's aggregate classification.
Comment: The PIK3R1 c.1945C>T variant is predicted to result in the amino acid substitution p.Arg649Trp. This variant is well documented in the literature, and has been reported as both inherited and occurring de novo in individuals with SHORT syndrome (See for example: Chudasama et al. 2013. PubMed ID: 23810379; Thauvin-Robinet et al. 2013. PubMed ID: 23810378; Dyment et al. 2013. PubMed ID: 23810382). Functional analysis revealed the c.1945C>T variant results in impaired insulin signaling, likely in a dominant-negative fashion (Chudasama et al. 2013. PubMed ID: 23810379; Winnay et al. 2016. PubMed ID: 26974159; Solheim et al. 2017. PubMed ID: 28632845). This variant has not been reported in a large population database (gnomAD), indicating this variant is rare. This variant has been classified as likely pathogenic or pathogenic by numerous labs in ClinVar. This variant is interpreted as pathogenic.

Institute of Human Genetics, University of Leipzig Medical Center
Classification: Pathogenic for SHORT syndrome. Last evaluated: 2024-07-10. Review status: criteria provided, single submitter. Criteria: ACMG Guidelines, 2015. Collection method: clinical testing. Allele origin: unknown. Inheritance: Autosomal dominant inheritance. Affected: yes. Not counted in ClinVar's aggregate classification.
Comment: Criteria applied: PS3,PS4,PM2_SUP,PP3

Labcorp Genetics (formerly Invitae), Labcorp
Classification: Pathogenic for SHORT syndrome; Immunodeficiency 36 with lymphoproliferation; Agammaglobulinemia 7, autosomal recessive. Last evaluated: 2022-05-03. Review status: criteria provided, single submitter. Criteria: Invitae Variant Classification Sherloc (09022015). Collection method: clinical testing. Allele origin: germline. Not counted in ClinVar's aggregate classification.
Comment: For these reasons, this variant has been classified as Pathogenic. Experimental studies have shown that this missense change affects PIK3R1 function (PMID: 23810379, 26974159, 27766312, 28632845). Advanced modeling of protein sequence and biophysical properties (such as structural, functional, and spatial information, amino acid conservation, physicochemical variation, residue mobility, and thermodynamic stability) performed at Invitae indicates that this missense variant is expected to disrupt PIK3R1 protein function. ClinVar contains an entry for this variant (Variation ID: 60763). This missense change has been observed in individual(s) with clinical features of SHORT syndrome (PMID: 23810378, 23810379, 23810382, 23980586, 24886349, 25326637, 27766312). In at least one individual the variant was observed to be de novo. It has also been observed to segregate with disease in related individuals. This variant is not present in population databases (gnomAD no frequency). This sequence change replaces arginine, which is basic and polar, with tryptophan, which is neutral and slightly polar, at codon 649 of the PIK3R1 protein (p.Arg649Trp).